The following is an entry in ClinVar:

ClinVar aggregate classification (germline): Uncertain significance (1 of 4 stars; one submission).

Conditions:
Aortic aneurysm, familial thoracic 4 (AAT4). Also called: AORTIC ANEURYSM/AORTIC DISSECTION AND PATENT DUCTUS ARTERIOSUS. Identifiers: MedGen C1851504, MONDO:0007568, OMIM 132900.

Submission:

Labcorp Genetics (formerly Invitae), Labcorp
Classification: Uncertain significance for Aortic aneurysm, familial thoracic 4. Last evaluated: 2025-02-08. Review status: criteria provided, single submitter. Criteria: Invitae Variant Classification Sherloc (09022015). Collection method: clinical testing. Allele origin: germline.
Comment: This sequence change replaces glutamine, which is neutral and polar, with lysine, which is basic and polar, at codon 869 of the MYH11 protein (p.Gln869Lys). This variant is not present in population databases (gnomAD no frequency). This variant has not been reported in the literature in individuals affected with MYH11-related conditions. Invitae Evidence Modeling of protein sequence and biophysical properties (such as structural, functional, and spatial information, amino acid conservation, physicochemical variation, residue mobility, and thermodynamic stability) indicates that this missense variant is not expected to disrupt MYH11 protein function with a negative predictive value of 95%. In summary, the available evidence is currently insufficient to determine the role of this variant in disease. Therefore, it has been classified as a Variant of Uncertain Significance.

NM_002474.3(MYH11):c.2584C>A (p.Gln862Lys)

Gene: MYH11 (myosin heavy chain 11; minus strand). Cytogenetic location: 16p13.11.
Variant type: single nucleotide variant.
Coding change: c.2584C>A on transcript NM_002474.3 (MANE Select); coding-DNA position 2584, C replaced by A.
Protein change: p.Gln862Lys; replaces glutamine 862 with lysine.
Molecular consequence: missense variant.
Genome position (GRCh38, 1-based): chr16:15,741,828, G>T on the plus strand (C>A on the coding strand, the complement: MYH11 is on the minus strand). VCF-style: chr16-15741828-G-T. GRCh37 (hg19) VCF-style: chr16-15835685-G-T.
Other names: c.2605C>A, p.Gln869Lys (NM_001040113.2, NM_001040114.2); c.2584C>A, p.Gln862Lys (NM_022844.3); short protein forms Q869K, Q862K.
Identifiers: ClinVar variation 4745884 (VCV004745884.1).